The following is an entry in ClinVar:

ClinVar aggregate classification (germline): Benign. Review status: criteria provided, multiple submitters, no conflicts (2 of 4 stars). 3 submissions from 3 submitters: Benign (2). 1 of the submissions does not count toward it. Last evaluated 2026-02-03.

Conditions:
PLXNA2-related disorder. Also called: PLXNA2-related condition.

Allele frequency attached by ClinVar (database versions not stated): TOPMed 0.06319; ExAC 0.08340; gnomAD exomes 0.08570 and 0.07576; gnomAD 0.06353 and 0.05963; 1000 Genomes Project 30x 0.08182; ESP Exome Variant Server 0.05321; 1000 Genomes Project 0.08626.
gnomAD v4.1: 120,260 of 1,614,080 alleles (7.5%); highest among the groups gnomAD compares: East Asian, 13%; 5,056 homozygotes.

Submissions (3):

Labcorp Genetics (formerly Invitae), Labcorp
Classification: Benign. Last evaluated: 2026-02-03. Review status: criteria provided, single submitter. Criteria: Invitae Variant Classification Sherloc (09022015). Collection method: clinical testing. Allele origin: germline.

Breakthrough Genomics
Classification: Benign. Review status: criteria provided, single submitter. Criteria: ACMG Guidelines, 2015. Collection method: not provided. Allele origin: germline. Inheritance: Unknown mechanism. Affected: yes.

PreventionGenetics, part of Exact Sciences
Classification: Benign for PLXNA2-related condition. Last evaluated: 2022-09-24. Review status: no assertion criteria provided. Collection method: clinical testing. Allele origin: germline. Not counted in ClinVar's aggregate classification.
Comment: This variant is classified as benign based on ACMG/AMP sequence variant interpretation guidelines (Richards et al. 2015 PMID: 25741868, with internal and published modifications).

NM_025179.4(PLXNA2):c.170A>G (p.Gln57Arg)

Gene: PLXNA2 (plexin A2; minus strand). Cytogenetic location: 1q32.2.
Variant type: single nucleotide variant.
Coding change: c.170A>G on transcript NM_025179.4 (MANE Select); coding-DNA position 170, A replaced by G.
Protein change: p.Gln57Arg; replaces glutamine 57 with arginine.
Molecular consequence: missense variant.
Genome position (GRCh38, 1-based): chr1:208,217,753, T>C on the plus strand (A>G on the coding strand, the complement: PLXNA2 is on the minus strand). VCF-style: chr1-208217753-T-C. GRCh37 (hg19) VCF-style: chr1-208391098-T-C.
Other names: c.170A>G (NM_025179.3); short protein forms Q57R.
Identifiers: ClinVar variation 1164872 (VCV001164872.12), dbSNP rs11119014, ClinGen allele CA1374119.
Genomic context (GRCh38, chr1:208,217,753, plus strand): 5'-AGGTTGCCTGTCAGCTTATAGACCCGGTTGATGGCCCCCACATAGACGGCCCCCGTCCCT[T>C]GGTGGACGGTCAAGTGGTTGAAGGTCCAGTCACGATTCTCAGAGTGGAAGGTGCTGAACT-3'
Protein context (NP_079455.3, residues 47-67): DWTFNHLTVH[Gln57Arg]GTGAVYVGAI